The following is an entry in ClinVar:

ClinVar aggregate classification (germline): Pathogenic/Likely pathogenic. Review status: criteria provided, multiple submitters, no conflicts (2 of 4 stars). 5 submissions from 5 submitters: Pathogenic (1); Likely pathogenic (4). Last evaluated 2026-03-23.

Conditions:
Klippel-Feil anomaly-myopathy-facial dysmorphism syndrome. Also called: Klippel-Feil syndrome 4, autosomal recessive, with myopathy and facial dysmorphism; Klippel-feil syndrome 4, autosomal recessive, with nemaline myopathy and facial dysmorphism. Identifiers: Orphanet 447974, MedGen C4225285, MONDO:0014689, OMIM 616549.
MYO18B-related disorder. Also called: MYO18B-related condition.

gnomAD v4.1: 43 of 1,613,824 alleles (0.0027%); highest among the groups gnomAD compares: Admixed American, 0.063%; no homozygotes.

Submissions (5):

PreventionGenetics, part of Exact Sciences
Classification: Likely pathogenic for MYO18B-related condition. Last evaluated: 2026-03-23. Review status: criteria provided, single submitter. Criteria: ACMG Guidelines, 2015. Collection method: clinical testing. Allele origin: germline.
Comment: The MYO18B c.3110G>A variant is predicted to result in premature protein termination (p.Trp1037*). To our knowledge, this variant has not been reported in the literature. This variant is reported in 0.090% of alleles in individuals of Latino descent in gnomAD. Nonsense variants in MYO18B are expected to be pathogenic. This variant is interpreted as likely pathogenic.

Labcorp Genetics (formerly Invitae), Labcorp
Classification: Pathogenic. Last evaluated: 2026-01-04. Review status: criteria provided, single submitter. Criteria: Invitae Variant Classification Sherloc (09022015). Collection method: clinical testing. Allele origin: germline.
Comment: This sequence change creates a premature translational stop signal (p.Trp1037*) in the MYO18B gene. It is expected to result in an absent or disrupted protein product. Loss-of-function variants in MYO18B are known to be pathogenic (PMID: 25748484, 32184166, 32637634). This variant is present in population databases (rs17704912, gnomAD 0.07%). This variant has not been reported in the literature in individuals affected with MYO18B-related conditions. ClinVar contains an entry for this variant (Variation ID: 1705092). For these reasons, this variant has been classified as Pathogenic.

Department of Pathology and Laboratory Medicine, Sinai Health System
Classification: Likely pathogenic for Klippel-Feil anomaly-myopathy-facial dysmorphism syndrome. Last evaluated: 2023-07-25. Review status: criteria provided, single submitter. Criteria: ACMG Guidelines, 2015. Collection method: research. Allele origin: germline.

Women's Health and Genetics/Laboratory Corporation of America, LabCorp
Classification: Likely pathogenic for Klippel-Feil anomaly-myopathy-facial dysmorphism syndrome. Last evaluated: 2022-08-12. Review status: criteria provided, single submitter. Criteria: LabCorp Variant Classification Summary - May 2015. Collection method: clinical testing. Allele origin: germline.
Comment: Variant summary: MYO18B c.3110G>A (p.Trp1037X) results in a premature termination codon, predicted to cause a truncation of the encoded protein or absence of the protein due to nonsense mediated decay, which are commonly known mechanisms for disease. Truncations downstream of this position have been reported in association with Klippel-Feil anomaly and other related phenotypes in the HGMD database. The variant allele was found at a frequency of 0.00015 in 249050 control chromosomes. This frequency does not allowing conclusions about variant significance. To our knowledge, no occurrence of c.3110G>A in individuals affected with Klippel-Feil Anomaly-Myopathy Dysmorphism Syndrome and no experimental evidence demonstrating its impact on protein function have been reported. MYO18B gene has been associated with a moderate gene-disease validity by the ClinGen validity evaluation criteria. No clinical diagnostic laboratories have submitted clinical-significance assessments for this variant to ClinVar after 2014. Based on the evidence outlined above, the variant was classified as likely pathogenic.

Blueprint Genetics
Classification: Likely pathogenic for MYO18B-related disorders. Last evaluated: 2021-07-05. Review status: criteria provided, single submitter. Criteria: ACMG Guidelines, 2015. Collection method: clinical testing. Allele origin: germline. Affected: yes. Observed: 2 variant alleles.

Literature cited by the submitters: PubMed 25748484 (cited by Labcorp Genetics (formerly Invitae), Labcorp); PubMed 32184166 (cited by Labcorp Genetics (formerly Invitae), Labcorp); PubMed 32637634 (cited by Labcorp Genetics (formerly Invitae), Labcorp).

NM_032608.7(MYO18B):c.3110G>A (p.Trp1037Ter)

Gene: MYO18B (myosin XVIIIB; plus strand). Cytogenetic location: 22q12.1.
Variant type: single nucleotide variant.
Coding change: c.3110G>A on transcript NM_032608.7 (MANE Select); coding-DNA position 3110, G replaced by A.
Protein change: p.Trp1037Ter; replaces tryptophan 1037 with a stop codon.
Molecular consequence: nonsense.
Genome position (GRCh38, 1-based): chr22:25,835,345, G>A. VCF-style: chr22-25835345-G-A. GRCh37 (hg19) VCF-style: chr22-26231312-G-A.
Other names: c.3113G>A, p.Trp1038Ter (NM_001318245.2); short protein forms W1037*, W1038*.
Identifiers: ClinVar variation 1705092 (VCV001705092.9), dbSNP rs17704912, ClinGen allele CA10160450.
Genomic context (GRCh38, chr22:25,835,345, plus strand): 5'-TCTCCCAGCAGGTCCGCTTACCAGCTGGAGGAGGTGCCCAGGATGCCAGAGGCCTTTTCT[G>A]GGTCTTAGATGAGGAAGTCCATGTAGAGGGCTCCAGTGACAGTGTGGTGCTCGAGCGTCT-3'